The following is an entry in ClinVar:

ClinVar aggregate classification (germline): Likely benign (1 of 4 stars; one submission).

Submission:

CeGaT Center for Human Genetics Tuebingen
Classification: Likely benign. Last evaluated: 2026-08-01. Review status: criteria provided, single submitter. Criteria: CeGaT Center For Human Genetics Tuebingen Variant Classification Criteria Version 2. Collection method: clinical testing. Allele origin: germline. Affected: yes. Observed: 1 variant allele.
Comment: CRLS1: BP4, BP7

NM_019095.6(CRLS1):c.111C>G (p.Pro37=)

Gene: CRLS1 (cardiolipin synthase 1; plus strand). Cytogenetic location: 20p12.3.
Variant type: single nucleotide variant.
Coding change: c.111C>G on transcript NM_019095.6 (MANE Select); coding-DNA position 111, C replaced by G.
Protein change: p.Pro37=; no amino-acid change (proline 37 retained).
Molecular consequence: synonymous variant. On other transcripts: non-coding transcript variant (1), intron variant (1), 5 prime UTR variant (1).
Genome position (GRCh38, 1-based): chr20:6,006,357, C>G. VCF-style: chr20-6006357-C-G. GRCh37 (hg19) VCF-style: chr20-5987003-C-G.
Other names: c.-28+246C>G (NM_001323562.2); c.-285C>G (NM_001323563.2).
Identifiers: ClinVar variation 5040623 (VCV005040623.1).
Genomic context (GRCh38, chr20:6,006,357, plus strand): 5'-CGCTTGGGCTCCGGGAACGCGGCCGAGTAAGCGACGCGCCTGCTGGGCCCTGCTGCCGCC[C>G]GTGCCCTGCTGCTTGGGCTGCCTGGCCGAACGCTGGAGGCTGCGTCCGGCCGCTCTTGGC-3'
Protein context (NP_061968.1, residues 27-47): KRRACWALLP[Pro37=]VPCCLGCLAE